The following is an entry in ClinVar:

NM_001080432.3(FTO):c.*619A>C

Gene: FTO (FTO alpha-ketoglutarate dependent dioxygenase; plus strand). Cytogenetic location: 16q12.2.
Variant type: single nucleotide variant.
Coding change: c.*619A>C on transcript NM_001080432.3 (MANE Select); 619 bases downstream of the stop codon, A replaced by C.
Molecular consequence: 3 prime UTR variant.
Genome position (GRCh38, 1-based): chr16:54,112,534, A>C. VCF-style: chr16-54112534-A-C. GRCh37 (hg19) VCF-style: chr16-54146446-A-C.
Other names: c.*619A>C (NM_001363891.2, NM_001363894.2, NM_001363896.2 and 6 more transcripts); c.*737A>C (NM_001363903.2); c.*795A>C (NM_001363988.2).
Identifiers: ClinVar variation 319699 (VCV000319699.5), dbSNP rs149440289, ClinGen allele CA10637980.

ClinVar aggregate classification (germline): Benign (1 of 4 stars; one submission).

Conditions:
Lethal polymalformative syndrome, Boissel type. Also called: GROWTH RETARDATION, DEVELOPMENTAL DELAY, AND FACIAL DYSMORPHISM. Identifiers: Orphanet 210144, MedGen C2752001, MONDO:0013050, OMIM 612938.

Allele frequency attached by ClinVar (database versions not stated): gnomAD 0.00764; TOPMed 0.00915; 1000 Genomes Project 0.01018; 1000 Genomes Project 30x 0.01156.

Submission:

Illumina Laboratory Services, Illumina
Classification: Benign for Lethal polymalformative syndrome, Boissel type. Last evaluated: 2018-01-13. Review status: criteria provided, single submitter. Criteria: ICSL Variant Classification Criteria 13 December 2019. Collection method: clinical testing. Allele origin: germline.
Comment: This variant was observed in the ICSL laboratory as part of a predisposition screen in an ostensibly healthy population. It had not been previously curated by ICSL or reported in the Human Gene Mutation Database (HGMD: prior to June 1st, 2018), and was therefore a candidate for classification through an automated scoring system. Utilizing variant allele frequency, disease prevalence and penetrance estimates, and inheritance mode, an automated score was calculated to assess if this variant is too frequent to cause the disease. Based on the score and internal cut-off values, a variant classified as benign is not then subjected to further curation. The score for this variant resulted in a classification of benign for this disease.